The following is an entry in ClinVar:

NM_001481.3(DRC4):c.392_460del (p.His131_Glu153del)

Gene: DRC4 (dynein regulatory complex subunit 4; plus strand). Cytogenetic location: 16q24.3.
Variant type: Deletion.
Coding change: c.392_460del on transcript NM_001481.3 (MANE Select); coding-DNA positions 392 to 460, 69 bases deleted.
Protein change: p.His131_Glu153del.
Molecular consequence: inframe deletion. On other transcripts: 5 prime UTR variant (1).
Genome position (GRCh38, 1-based): chr16:90,032,821-90,032,889, 69 bases deleted. GRCh37 (hg19): chr16:90,099,229-90,099,297.
Other names: c.143_211del, p.His48_Glu70del (NM_001286205.2); c.-130_-62del (NM_001286208.2); c.317_385del, p.His106_Glu128del (NM_001286209.2).
Identifiers: ClinVar variation 2025432 (VCV002025432.4), dbSNP rs2543472829, ClinGen allele CA2580092418.

ClinVar aggregate classification (germline): Uncertain significance (1 of 4 stars; one submission).

Conditions:
Primary ciliary dyskinesia 33. Also called: CILIARY DYSKINESIA, PRIMARY, 33, WITHOUT SITUS INVERSUS. Identifiers: Orphanet 244, MedGen C4225230, MONDO:0014750, OMIM 616726.

Submission:

Labcorp Genetics (formerly Invitae), Labcorp
Classification: Uncertain significance for Primary ciliary dyskinesia 33. Last evaluated: 2022-08-21. Review status: criteria provided, single submitter. Criteria: Invitae Variant Classification Sherloc (09022015). Collection method: clinical testing. Allele origin: germline.
Comment: This variant, c.392_460del, results in the deletion of 23 amino acid(s) of the GAS8 protein (p.His131_Glu153del), but otherwise preserves the integrity of the reading frame. In summary, the available evidence is currently insufficient to determine the role of this variant in disease. Therefore, it has been classified as a Variant of Uncertain Significance. Experimental studies and prediction algorithms are not available or were not evaluated, and the functional significance of this variant is currently unknown. This variant has not been reported in the literature in individuals affected with GAS8-related conditions. This variant is not present in population databases (gnomAD no frequency).